The following is an entry in ClinVar:

ClinVar aggregate classification (germline): Pathogenic (1 of 4 stars; one submission).

Conditions:
Early-infantile DEE. Also called: Early infantile epileptic encephalopathy; Ohtahara syndrome; Early infantile epileptic encephalopathy with suppression bursts. Identifiers: Orphanet 1934, MedGen C0393706, MONDO:0800491.

Submission:

Labcorp Genetics (formerly Invitae), Labcorp
Classification: Pathogenic for Early-infantile DEE. Last evaluated: 2017-07-06. Review status: criteria provided, single submitter. Criteria: Invitae Variant Classification Sherloc (09022015). Collection method: clinical testing. Allele origin: germline.
Comment: This sequence change creates a premature translational stop signal (p.Lys1144Thrfs*3) in the SCN1A gene. It is expected to result in an absent or disrupted protein product. This variant is not present in population databases (ExAC no frequency). This variant has not been reported in the literature in individuals with SCN1A-related disease. Loss-of-function variants in SCN1A are known to be pathogenic (PMID: 17347258, 18930999). For these reasons, this variant has been classified as Pathogenic.

Literature cited by the submitters: PubMed 17347258; PubMed 18930999.

NM_001165963.4(SCN1A):c.3431_3432del (p.Lys1144fs)

Genes: SCN1A (sodium voltage-gated channel alpha subunit 1; minus strand), LOC102724058 (uncharacterized LOC102724058; plus strand). Cytogenetic location: 2q24.3.
Variant type: Deletion.
Coding change: c.3431_3432del on transcript NM_001165963.4 (MANE Select); coding-DNA positions 3431 to 3432, 2 bases deleted (AA; older notation c.3431_3432delAA).
Protein change: p.Lys1144fs; shifts the reading frame from lysine 1144.
Molecular consequence: frameshift variant. On other transcripts: non-coding transcript variant (2).
Genome position (GRCh38, 1-based): chr2:166,015,725-166,015,726, TT deleted on the plus strand (AA on the coding strand, the reverse complement: SCN1A is on the minus strand); deleting any 2 consecutive bases within chr2:166,015,725-166,015,727 gives the same sequence; the c. name uses the placement nearest the transcript's 3' end. VCF-style (leftmost placement, unchanged base first): chr2-166015724-GTT-G. GRCh37 (hg19) VCF-style: chr2-166872234-GTT-G.
Other names: c.3347_3348del, p.Lys1116fs (NM_001165964.3, NM_001353957.2, NM_001353958.2); c.3431_3432del, p.Lys1144fs (NM_001202435.3, NM_001353948.2); c.3398_3399del, p.Lys1133fs (NM_001353949.2, NM_001353950.2, NM_001353951.2 and 2 more transcripts); c.3395_3396del, p.Lys1132fs (NM_001353954.2, NM_001353955.2); c.3344_3345del, p.Lys1115fs (NM_001353960.2); c.989_990del, p.Lys330fs (NM_001353961.2); short protein forms K1115fs, K1132fs, K1133fs, K330fs, K1116fs, K1144fs.
Identifiers: ClinVar variation 461263 (VCV000461263.7), dbSNP rs1553534296, ClinGen allele CA658657103.